The following is an entry in ClinVar:

NM_031935.3(HMCN1):c.3434G>A (p.Ser1145Asn)

Gene: HMCN1 (hemicentin 1; plus strand). Cytogenetic location: 1q31.1.
Variant type: single nucleotide variant.
Coding change: c.3434G>A on transcript NM_031935.3 (MANE Select); coding-DNA position 3434, G replaced by A.
Protein change: p.Ser1145Asn; replaces serine 1145 with asparagine.
Molecular consequence: missense variant.
Genome position (GRCh38, 1-based): chr1:185,993,238, G>A. VCF-style: chr1-185993238-G-A. GRCh37 (hg19) VCF-style: chr1-185962370-G-A.
Other names: short protein forms S1145N.
Identifiers: ClinVar variation 721001 (VCV000721001.12), dbSNP rs142909496, ClinGen allele CA1291720.

ClinVar aggregate classification (germline): Conflicting classifications of pathogenicity. Review status: criteria provided, conflicting classifications (1 of 4 stars). 3 submissions from 3 submitters: Uncertain significance (1); Likely benign (1). 1 of the submissions does not count toward it. Last evaluated 2025-12-28.

Conditions:
HMCN1-related disorder. Also called: HMCN1-related condition.

Allele frequency attached by ClinVar (database versions not stated): ExAC 0.00031; 1000 Genomes Project 30x 0.00047; 1000 Genomes Project 0.00060; ESP Exome Variant Server 0.00085; gnomAD 0.00107 and 0.00115; TOPMed 0.00112.
gnomAD v4.1: 295 of 1,613,052 alleles (0.018%); highest among the groups gnomAD compares: African/African-American, 0.34%; no homozygotes.

Submissions (3):

Labcorp Genetics (formerly Invitae), Labcorp
Classification: Likely benign. Last evaluated: 2025-12-28. Review status: criteria provided, single submitter. Criteria: Invitae Variant Classification Sherloc (09022015). Collection method: clinical testing. Allele origin: germline.

Ambry Genetics
Classification: Uncertain significance. Last evaluated: 2025-08-11. Review status: criteria provided, single submitter. Criteria: Ambry Variant Classification Scheme 2023. Collection method: clinical testing. Allele origin: germline.

PreventionGenetics, part of Exact Sciences
Classification: Likely benign for HMCN1-related condition. Last evaluated: 2019-07-31. Review status: no assertion criteria provided. Collection method: clinical testing. Allele origin: germline. Not counted in ClinVar's aggregate classification.
Comment: This variant is classified as likely benign based on ACMG/AMP sequence variant interpretation guidelines (Richards et al. 2015 PMID: 25741868, with internal and published modifications).